The following is an entry in ClinVar:

ClinVar aggregate classification (germline): Uncertain significance (1 of 4 stars; one submission).

Conditions:
Christianson syndrome (MRXSCH). Also called: X-linked mental retardation, syndromic, Christianson type; SLC9A6-Related Syndromic Mental Retardation; INTELLECTUAL DEVELOPMENTAL DISORDER, X-LINKED, SYNDROMIC, CHRISTIANSON TYPE. Identifiers: Orphanet 85278, MedGen C2678194, MONDO:0010278, OMIM 300243.

Allele frequency attached by ClinVar (database versions not stated): TOPMed 0.00001.

Submission:

Labcorp Genetics (formerly Invitae), Labcorp
Classification: Uncertain significance for Christianson syndrome. Last evaluated: 2024-03-29. Review status: criteria provided, single submitter. Criteria: Invitae Variant Classification Sherloc (09022015). Collection method: clinical testing. Allele origin: germline.
Comment: This sequence change replaces arginine, which is basic and polar, with threonine, which is neutral and polar, at codon 51 of the SLC9A6 protein (p.Arg51Thr). This variant is not present in population databases (gnomAD no frequency). This variant has not been reported in the literature in individuals affected with SLC9A6-related conditions. An algorithm developed to predict the effect of missense changes on protein structure and function (PolyPhen-2) suggests that this variant is likely to be tolerated. In summary, the available evidence is currently insufficient to determine the role of this variant in disease. Therefore, it has been classified as a Variant of Uncertain Significance.

NM_001379110.1(SLC9A6):c.-5G>C

Gene: SLC9A6 (solute carrier family 9 member A6; plus strand). Cytogenetic location: Xq26.3.
Variant type: single nucleotide variant.
Coding change: c.-5G>C on transcript NM_001379110.1 (MANE Select); 5 bases upstream of the start codon, G replaced by C.
Molecular consequence: 5 prime UTR variant. On other transcripts: missense variant (2).
Genome position (GRCh38, 1-based): chrX:135,985,654, G>C. VCF-style: chrX-135985654-G-C. GRCh37 (hg19) VCF-style: chrX-135067813-G-C.
Other names: c.152G>C, p.Arg51Thr (NM_001042537.2, NM_006359.3); c.-5G>C (NM_001177651.2, NM_001330652.2, NM_001400909.1 and 4 more transcripts); short protein forms R51T.
Identifiers: ClinVar variation 2700067 (VCV002700067.3), dbSNP rs782509280, ClinGen allele CA414606620.
Genomic context (GRCh38, chrX:135,985,654, plus strand): 5'-TCCTCGCAGTGGGCGTCTTTGACTGGGCAGGGGCTTCGGACGGCGGCGGCGGAGAGGCTA[G>C]AGCCATGGACGAGGAGATCGTGTCCGAGAAGCAAGCCGAGGAGAGCCACCGGCAGGACAG-3'